The following is an entry in ClinVar:

NM_033380.3(COL4A5):c.-16C>T

Gene: COL4A5 (collagen type IV alpha 5 chain; plus strand). Cytogenetic location: Xq22.3.
Variant type: single nucleotide variant.
Coding change: c.-16C>T on transcript NM_033380.3 (MANE Select); 16 bases upstream of the start codon, C replaced by T.
Molecular consequence: 5 prime UTR variant.
Genome position (GRCh38, 1-based): chrX:108,440,110, C>T. VCF-style: chrX-108440110-C-T. GRCh37 (hg19) VCF-style: chrX-107683340-C-T.
Other names: c.-16C>T (NM_000495.5).
Identifiers: ClinVar variation 2691535 (VCV002691535.2), dbSNP rs372416097, ClinGen allele CA10488335.

ClinVar aggregate classification (germline): Uncertain significance (1 of 4 stars; one submission).

Allele frequency attached by ClinVar (database versions not stated): TOPMed 0.00020; gnomAD 0.00028; ESP Exome Variant Server 0.00038.
gnomAD v4.1: 252 of 1,191,816 alleles (0.021%); highest among the groups gnomAD compares: Non-Finnish European, 0.014%; no homozygotes.

Submission:

Women's Health and Genetics/Laboratory Corporation of America, LabCorp
Classification: Uncertain significance. Last evaluated: 2026-03-30. Review status: criteria provided, single submitter. Criteria: LabCorp Variant Classification Summary - May 2015. Collection method: clinical testing. Allele origin: germline.
Comment: Variant summary: COL4A5 c.-16C>T is located in the untranslated mRNA region upstream of the initiation codon. The variant allele was found at a frequency of 0.00033 in 176879 control chromosomes. This frequency is not significantly higher than estimated for disease-causing variants in COL4A5, allowing no conclusion about variant significance. To our knowledge, no occurrence of c.-16C>T in individuals affected with COL4A5-related conditions and no experimental evidence demonstrating its impact on protein function have been reported. ClinVar contains an entry for this variant (Variation ID: 2691535). Based on the evidence outlined above, the variant was classified as uncertain significance.